The following is an entry in ClinVar:

NM_000481.4(AMT):c.665G>T (p.Arg222Leu)

Gene: AMT (aminomethyltransferase; minus strand). Cytogenetic location: 3p21.31.
Variant type: single nucleotide variant.
Coding change: c.665G>T on transcript NM_000481.4 (MANE Select); coding-DNA position 665, G replaced by T.
Protein change: p.Arg222Leu; replaces arginine 222 with leucine.
Molecular consequence: missense variant. On other transcripts: non-coding transcript variant (1).
Genome position (GRCh38, 1-based): chr3:49,419,291, C>A on the plus strand (G>T on the coding strand, the complement: AMT is on the minus strand). VCF-style: chr3-49419291-C-A. GRCh37 (hg19) VCF-style: chr3-49456724-C-A.
Other names: c.533G>T, p.Arg178Leu (NM_001164710.2); c.497G>T, p.Arg166Leu (NM_001164711.2); c.665G>T, p.Arg222Leu (NM_001164712.2); short protein forms R178L, R222L, R166L.
Identifiers: ClinVar variation 1028286 (VCV001028286.1), dbSNP rs562695274, ClinGen allele CA352790107.

ClinVar aggregate classification (germline): Likely pathogenic (1 of 4 stars; one submission).

Conditions:
Glycine encephalopathy. Also called: Nonketotic hyperglycinemia; Non-ketotic hyperglycinemia. Identifiers: Orphanet 407, MedGen C0751748, MONDO:0011612, HP:0008288.

Submission:

Baylor Genetics
Classification: Likely pathogenic for Glycine encephalopathy 1. Last evaluated: 2019-06-07. Review status: criteria provided, single submitter. Criteria: ACMG Guidelines, 2015. Collection method: clinical testing. Allele origin: maternal. Affected: yes.
Comment: This variant was determined to be likely pathogenic according to ACMG Guidelines, 2015 [PMID:25741868].